The following is an entry in ClinVar:

ClinVar aggregate classification (germline): Uncertain significance. Review status: criteria provided, multiple submitters, no conflicts (2 of 4 stars). 6 submissions from 6 submitters: Uncertain significance (5). 1 of the submissions does not count toward it. Last evaluated 2026-02-11.

Conditions:
Muscle AMP deaminase deficiency (MMDD). Also called: AMPD1 DEFICIENCY; Myoadenylate deaminase deficiency, myopathy due to; Adenosine monophosphate deaminase 1 deficiency; AMP deaminase 1 deficiency; Adenosine Monophosphate Deaminase 1; ADENOSINE MONOPHOSPHATE DEAMINASE-1 DEFICIENCY, MYOPATHY DUE TO. Identifiers: Orphanet 45, MedGen C3714933, MONDO:0014220, OMIM 615511.
AMPD1-related disorder. Also called: AMPD1-related condition.

Allele frequency attached by ClinVar (database versions not stated): gnomAD 0.00004; ESP Exome Variant Server 0.00015; 1000 Genomes Project 0.00020; 1000 Genomes Project 30x 0.00031.
gnomAD v4.1: 155 of 1,613,706 alleles (0.0096%); highest among the groups gnomAD compares: Non-Finnish European, 0.012%; no homozygotes.

Submissions (6):

Women's Health and Genetics/Laboratory Corporation of America, LabCorp
Classification: Uncertain significance. Last evaluated: 2026-02-11. Review status: criteria provided, single submitter. Criteria: LabCorp Variant Classification Summary - May 2015. Collection method: clinical testing. Allele origin: germline.
Comment: Variant summary: AMPD1 c.1974+1G>A is located in a canonical splice-site and is predicted to affect mRNA splicing resulting in a significantly altered protein due to either exon skipping, shortening, or inclusion of intronic material. Variants that disrupt the consensus splice site are a relatively common cause of aberrant splicing, however current evidence is not sufficient to establish loss of function as a mechanism for disease. Several computational tools predict a significant impact on normal splicing: Four predict the variant abolishes a 5' splicing donor site. However, these predictions have yet to be confirmed by functional studies. The variant allele was found at a frequency of 7.6e-05 in 251408 control chromosomes. This frequency is not significantly higher than estimated for disease-causing variants in AMPD1, allowing no conclusion about variant significance. To our knowledge, no occurrence of c.1974+1G>A in individuals affected with AMPD1-related conditions and no experimental evidence demonstrating its impact on protein function have been reported. ClinVar contains an entry for this variant (Variation ID: 1207113). Based on the evidence outlined above, the variant was classified as uncertain significance.

Labcorp Genetics (formerly Invitae), Labcorp
Classification: Uncertain significance for Muscle AMP deaminase deficiency. Last evaluated: 2025-10-01. Review status: criteria provided, single submitter. Criteria: Invitae Variant Classification Sherloc (09022015). Collection method: clinical testing. Allele origin: germline.
Comment: This sequence change affects a donor splice site in intron 14 of the AMPD1 gene. It is expected to disrupt RNA splicing. Variants that disrupt the donor or acceptor splice site typically lead to a loss of protein function (PMID: 16199547), however the current clinical and genetic evidence is not sufficient to establish whether loss-of-function variants in AMPD1 cause disease. This variant is present in population databases (rs145328844, gnomAD 0.01%). This variant has not been reported in the literature in individuals affected with AMPD1-related conditions. ClinVar contains an entry for this variant (Variation ID: 1207113). Algorithms developed to predict the effect of sequence changes on RNA splicing suggest that this variant may disrupt the consensus splice site. In summary, the available evidence is currently insufficient to determine the role of this variant in disease. Therefore, it has been classified as a Variant of Uncertain Significance.

Blueprint Genetics
Classification: Uncertain significance. Last evaluated: 2024-08-08. Review status: criteria provided, single submitter. Criteria: ACMG Guidelines, 2015. Collection method: clinical testing. Allele origin: germline.

Revvity Omics, Revvity
Classification: Uncertain significance for Muscle AMP deaminase deficiency. Last evaluated: 2021-12-30. Review status: criteria provided, single submitter. Criteria: ACMG Guidelines, 2015. Collection method: clinical testing. Allele origin: germline.

GeneDx
Classification: Uncertain significance. Last evaluated: 2020-04-08. Review status: criteria provided, single submitter. Criteria: GeneDx Variant Classification Process June 2021. Collection method: clinical testing. Allele origin: germline. Affected: yes.
Comment: Canonical splice site variant expected to result in aberrant splicing, although in the absence of functional evidence the actual effect of this sequence change is unknown.; Has not been previously published as pathogenic or benign to our knowledge

PreventionGenetics, part of Exact Sciences
Classification: Uncertain significance for AMPD1-related condition. Last evaluated: 2023-10-18. Review status: no assertion criteria provided. Collection method: clinical testing. Allele origin: germline. Not counted in ClinVar's aggregate classification.
Comment: The AMPD1 c.2073+1G>A variant is predicted to disrupt the GT donor site and interfere with normal splicing. To our knowledge, this variant has not been reported in the literature. This variant is reported in 0.012% of alleles in individuals of European (Non-Finnish) descent in gnomAD. At this time, the clinical significance of this variant is uncertain due to the absence of conclusive functional and genetic evidence.

Literature cited by the submitters: PubMed 16199547 (cited by Labcorp Genetics (formerly Invitae), Labcorp).

NM_000036.3(AMPD1):c.1974+1G>A

Gene: AMPD1 (adenosine monophosphate deaminase 1; minus strand). Cytogenetic location: 1p13.2.
Variant type: single nucleotide variant.
Coding change: c.1974+1G>A on transcript NM_000036.3 (MANE Select); the canonical splice donor site of the intron after coding-DNA position 1974, G replaced by A.
Molecular consequence: splice donor variant.
Genome position (GRCh38, 1-based): chr1:114,673,908, C>T on the plus strand (G>A on the coding strand, the complement: AMPD1 is on the minus strand). VCF-style: chr1-114673908-C-T. GRCh37 (hg19) VCF-style: chr1-115216529-C-T.
Other names: c.1962+1G>A (NM_001172626.2).
Identifiers: ClinVar variation 1207113 (VCV001207113.16), dbSNP rs145328844, ClinGen allele CA1019974.